The following is an entry in ClinVar:

NM_017849.4(TMEM127):c.152C>T (p.Pro51Leu)

Gene: TMEM127 (transmembrane protein 127; minus strand). Cytogenetic location: 2q11.2.
Variant type: single nucleotide variant.
Coding change: c.152C>T on transcript NM_017849.4 (MANE Select); coding-DNA position 152, C replaced by T.
Protein change: p.Pro51Leu; replaces proline 51 with leucine.
Molecular consequence: missense variant.
Genome position (GRCh38, 1-based): chr2:96,265,230, G>A on the plus strand (C>T on the coding strand, the complement: TMEM127 is on the minus strand). VCF-style: chr2-96265230-G-A. GRCh37 (hg19) VCF-style: chr2-96930968-G-A.
Other names: c.152C>T, p.Pro51Leu (NM_001193304.3); short protein forms P51L.
Identifiers: ClinVar variation 819465 (VCV000819465.16), dbSNP rs1573977765, ClinGen allele CA347656013.

ClinVar aggregate classification (germline): Uncertain significance. Review status: criteria provided, multiple submitters, no conflicts (2 of 4 stars). 3 submissions from 3 submitters: Uncertain significance (3). Last evaluated 2025-08-31.

Conditions:
Hereditary cancer-predisposing syndrome. Also called: Hereditary Cancer Syndrome; Tumor predisposition; Neoplastic Syndromes, Hereditary; Hereditary neoplastic syndrome. Identifiers: Orphanet 140162, MedGen C0027672, MeSH D009386, MONDO:0015356.
Hereditary pheochromocytoma and paraganglioma. Also called: Hereditary pheochromocytoma-paraganglioma; Hereditary paragangliomas and pheochromocytomas; Hereditary Paraganglioma-Pheochromocytoma Syndromes. Identifiers: Orphanet 29072, MedGen C4274332, MONDO:0017366.

Allele frequency attached by ClinVar (database versions not stated): gnomAD 0.00001; TOPMed 0.00002.
gnomAD v4.1: 2 of 1,601,188 alleles (0.00012%); highest among the groups gnomAD compares: Non-Finnish European, 0.00017%; no homozygotes.

Submissions (3):

Labcorp Genetics (formerly Invitae), Labcorp
Classification: Uncertain significance for Hereditary pheochromocytoma and paraganglioma. Last evaluated: 2025-08-31. Review status: criteria provided, single submitter. Criteria: Invitae Variant Classification Sherloc (09022015). Collection method: clinical testing. Allele origin: germline.
Comment: This sequence change replaces proline, which is neutral and non-polar, with leucine, which is neutral and non-polar, at codon 51 of the TMEM127 protein (p.Pro51Leu). This variant is not present in population databases (gnomAD no frequency). This variant has not been reported in the literature in individuals affected with TMEM127-related conditions. ClinVar contains an entry for this variant (Variation ID: 819465). An algorithm developed to predict the effect of missense changes on protein structure and function (PolyPhen-2) suggests that this variant is likely to be disruptive. In summary, the available evidence is currently insufficient to determine the role of this variant in disease. Therefore, it has been classified as a Variant of Uncertain Significance.

Ambry Genetics
Classification: Uncertain significance for Hereditary cancer-predisposing syndrome. Last evaluated: 2024-12-01. Review status: criteria provided, single submitter. Criteria: Ambry Variant Classification Scheme 2023. Collection method: clinical testing. Allele origin: germline.
Comment: The p.P51L variant (also known as c.152C>T), located in coding exon 1 of the TMEM127 gene, results from a C to T substitution at nucleotide position 152. The proline at codon 51 is replaced by leucine, an amino acid with similar properties. This amino acid position is highly conserved in available vertebrate species. In addition, this alteration is predicted to be deleterious by in silico analysis. Since supporting evidence is limited at this time, the clinical significance of this alteration remains unclear.

GeneDx
Classification: Uncertain significance. Last evaluated: 2024-04-09. Review status: criteria provided, single submitter. Criteria: GeneDx Variant Classification Process June 2021. Collection method: clinical testing. Allele origin: germline. Affected: yes.
Comment: Not observed at significant frequency in large population cohorts (gnomAD); In silico analysis supports that this missense variant has a deleterious effect on protein structure/function; Has not been previously published as pathogenic or benign to our knowledge